The following is an entry in ClinVar:

NM_004104.5(FASN):c.2253C>A (p.His751Gln)

Gene: FASN (fatty acid synthase; minus strand). Cytogenetic location: 17q25.3.
Variant type: single nucleotide variant.
Coding change: c.2253C>A on transcript NM_004104.5 (MANE Select); coding-DNA position 2253, C replaced by A.
Protein change: p.His751Gln; replaces histidine 751 with glutamine.
Molecular consequence: missense variant.
Genome position (GRCh38, 1-based): chr17:82,089,020, G>T on the plus strand (C>A on the coding strand, the complement: FASN is on the minus strand). VCF-style: chr17-82089020-G-T. GRCh37 (hg19) VCF-style: chr17-80046896-G-T.
Other names: short protein forms H751Q.
Identifiers: ClinVar variation 936281 (VCV000936281.10), dbSNP rs757099118, ClinGen allele CA8852863.

ClinVar aggregate classification (germline): Uncertain significance. Review status: criteria provided, multiple submitters, no conflicts (2 of 4 stars). 2 submissions from 2 submitters: Uncertain significance (2). Last evaluated 2025-01-03.

Conditions:
Epileptic encephalopathy. Identifiers: MedGen C0543888, HP:0200134.

Allele frequency attached by ClinVar (database versions not stated): TOPMed 0.00002.
gnomAD v4.1: 11 of 1,608,234 alleles (0.00068%); highest among the groups gnomAD compares: African/African-American, 0.011%; no homozygotes.

Submissions (2):

Ambry Genetics
Classification: Uncertain significance. Last evaluated: 2025-01-03. Review status: criteria provided, single submitter. Criteria: Ambry Variant Classification Scheme 2023. Collection method: clinical testing. Allele origin: germline.

Labcorp Genetics (formerly Invitae), Labcorp
Classification: Uncertain significance for Epileptic encephalopathy. Last evaluated: 2023-02-10. Review status: criteria provided, single submitter. Criteria: Invitae Variant Classification Sherloc (09022015). Collection method: clinical testing. Allele origin: germline.
Comment: This sequence change replaces histidine, which is basic and polar, with glutamine, which is neutral and polar, at codon 751 of the FASN protein (p.His751Gln). The frequency data for this variant in the population databases is considered unreliable, as metrics indicate poor data quality at this position in the gnomAD database. This variant has not been reported in the literature in individuals affected with FASN-related conditions. ClinVar contains an entry for this variant (Variation ID: 936281). Algorithms developed to predict the effect of missense changes on protein structure and function are either unavailable or do not agree on the potential impact of this missense change (SIFT: "Tolerated"; PolyPhen-2: "Possibly Damaging"; Align-GVGD: "Class C0"). In summary, the available evidence is currently insufficient to determine the role of this variant in disease. Therefore, it has been classified as a Variant of Uncertain Significance.